The following is an entry in ClinVar:

ClinVar aggregate classification (germline): Uncertain significance (1 of 4 stars; one submission).

Conditions:
Hereditary cancer-predisposing syndrome. Also called: Neoplastic Syndromes, Hereditary; Tumor predisposition; Hereditary neoplastic syndrome; Hereditary Cancer Syndrome. Identifiers: Orphanet 140162, MedGen C0027672, MeSH D009386, MONDO:0015356.

Submission:

Ambry Genetics
Classification: Uncertain significance for Hereditary cancer-predisposing syndrome. Last evaluated: 2019-04-16. Review status: criteria provided, single submitter. Criteria: Ambry Variant Classification Scheme 2023. Collection method: clinical testing. Allele origin: germline.
Comment: The p.S2414P variant (also known as c.7240T>C), located in coding exon 13 of the BRCA2 gene, results from a T to C substitution at nucleotide position 7240. The serine at codon 2414 is replaced by proline, an amino acid with similar properties. This amino acid position is not well conserved in available vertebrate species. In addition, the in silico prediction for this alteration is inconclusive. Since supporting evidence is limited at this time, the clinical significance of this alteration remains unclear.

NM_000059.4(BRCA2):c.7240T>C (p.Ser2414Pro)

Gene: BRCA2 (BRCA2 DNA repair associated; plus strand). Cytogenetic location: 13q13.1.
Variant type: single nucleotide variant.
Coding change: c.7240T>C on transcript NM_000059.4 (MANE Select); coding-DNA position 7240, T replaced by C.
Protein change: p.Ser2414Pro; replaces serine 2414 with proline.
Molecular consequence: missense variant.
Genome position (GRCh38, 1-based): chr13:32,355,093, T>C. VCF-style: chr13-32355093-T-C. GRCh37 (hg19) VCF-style: chr13-32929230-T-C.
Other names: short protein forms S2414P.
Identifiers: ClinVar variation 826927 (VCV000826927.4), dbSNP rs1555286057, ClinGen allele CA387740356.
Genomic context (GRCh38, chr13:32,355,093, plus strand): 5'-AGACACTTGATTACTACAGGCAGACCAACCAAAGTCTTTGTTCCACCTTTTAAAACTAAA[T>C]CACATTTTCACAGAGTTGAACAGTGTGTTAGGAATATTAACTTGGAGGAAAACAGACAAA-3'
Protein context (NP_000050.3, residues 2404-2424): KVFVPPFKTK[Ser2414Pro]HFHRVEQCVR